The following is an entry in ClinVar:

NM_000384.3(APOB):c.653T>A (p.Ile218Asn)

Gene: APOB (apolipoprotein B; minus strand). Cytogenetic location: 2p24.1.
Variant type: single nucleotide variant.
Coding change: c.653T>A on transcript NM_000384.3 (MANE Select); coding-DNA position 653, T replaced by A.
Protein change: p.Ile218Asn; replaces isoleucine 218 with asparagine.
Molecular consequence: missense variant.
Genome position (GRCh38, 1-based): chr2:21,037,140, A>T on the plus strand (T>A on the coding strand, the complement: APOB is on the minus strand). VCF-style: chr2-21037140-A-T. GRCh37 (hg19) VCF-style: chr2-21260012-A-T.
Other names: short protein forms I218N.
Identifiers: ClinVar variation 3231441 (VCV003231441.1), dbSNP rs2465445837, ClinGen allele CA345961648.

ClinVar aggregate classification (germline): Uncertain significance (1 of 4 stars; one submission).

Conditions:
Cardiovascular phenotype. Identifiers: MedGen CN230736.

Allele frequency attached by ClinVar (database versions not stated): gnomAD exomes 0.00001.
gnomAD v4.1: 3 of 1,614,172 alleles (0.00019%); highest among the groups gnomAD compares: Non-Finnish European, 0.00025%; no homozygotes.

Submission:

Ambry Genetics
Classification: Uncertain significance for Cardiovascular phenotype. Last evaluated: 2024-01-27. Review status: criteria provided, single submitter. Criteria: Ambry Variant Classification Scheme 2023. Collection method: clinical testing. Allele origin: germline.
Comment: The p.I218N variant (also known as c.653T>A), located in coding exon 6 of the APOB gene, results from a T to A substitution at nucleotide position 653. The isoleucine at codon 218 is replaced by asparagine, an amino acid with dissimilar properties. This amino acid position is conserved. In addition, this alteration is predicted to be tolerated by in silico analysis. Based on the available evidence, the clinical significance of this alteration remains unclear.